The following is an entry in ClinVar:

NM_002900.3(RBP3):c.2856T>C (p.Tyr952=)

Gene: RBP3 (retinol binding protein 3; plus strand). Cytogenetic location: 10q11.22.
Variant type: single nucleotide variant.
Coding change: c.2856T>C on transcript NM_002900.3 (MANE Select); coding-DNA position 2856, T replaced by C.
Protein change: p.Tyr952=; no amino-acid change (tyrosine 952 retained).
Molecular consequence: synonymous variant.
Genome position (GRCh38, 1-based): chr10:47,351,340, T>C. VCF-style: chr10-47351340-T-C. GRCh37 (hg19) VCF-style: chr10-48388022-A-G.
Identifiers: ClinVar variation 781940 (VCV000781940.15), dbSNP rs370173809, ClinGen allele CA5487191.

ClinVar aggregate classification (germline): Conflicting classifications of pathogenicity. Review status: criteria provided, conflicting classifications (1 of 4 stars). 3 submissions from 3 submitters: Uncertain significance (1); Likely benign (2). Last evaluated 2026-01-27.

Conditions:
Retinitis pigmentosa (RP). Identifiers: Orphanet 791, MedGen C0035334, MeSH D012174, MONDO:0019200, OMIM 268000. Inheritance: Autosomal dominant, autosomal recessive and X linked inheritance.

Allele frequency attached by ClinVar (database versions not stated): 1000 Genomes Project 30x 0.00016; 1000 Genomes Project 0.00020; ESP Exome Variant Server 0.00023; TOPMed 0.00029; gnomAD 0.00043; gnomAD exomes 0.00043; ExAC 0.00044.

Submissions (3):

Labcorp Genetics (formerly Invitae), Labcorp
Classification: Likely benign. Last evaluated: 2026-01-27. Review status: criteria provided, single submitter. Criteria: Invitae Variant Classification Sherloc (09022015). Collection method: clinical testing. Allele origin: germline.

Blueprint Genetics
Classification: Likely benign. Last evaluated: 2024-11-07. Review status: criteria provided, single submitter. Criteria: ACMG Guidelines, 2015. Collection method: clinical testing. Allele origin: germline.

Illumina Laboratory Services, Illumina
Classification: Uncertain significance for Retinitis pigmentosa. Last evaluated: 2017-04-27. Review status: criteria provided, single submitter. Criteria: ICSL Variant Classification Criteria 13 December 2019. Collection method: clinical testing. Allele origin: germline.
Comment: This variant was observed as part of a predisposition screen in an ostensibly healthy population. A literature search was performed for the gene, cDNA change, and amino acid change (where applicable). Publications were found based on this search. However, the evidence from the literature, in combination with allele frequency data from public databases where available, was not sufficient to rule this variant in or out of causing disease. Therefore, this variant is classified as a variant of unknown significance.

Literature cited by the submitters: PubMed 19074801 (cited by Illumina Laboratory Services, Illumina).